The following is an entry in ClinVar:

ClinVar aggregate classification (germline): Benign. Review status: criteria provided, multiple submitters, no conflicts (2 of 4 stars). 2 submissions from 2 submitters: Benign (2). Last evaluated 2018-01-13.

Conditions:
MHC class II deficiency. Also called: Bare lymphocyte syndrome 2; BLS, TYPE II. Identifiers: Orphanet 572, MedGen C5447452, MONDO:0008855.

Allele frequency attached by ClinVar (database versions not stated): 1000 Genomes Project 0.02476; 1000 Genomes Project 30x 0.02545; gnomAD exomes 0.03125; TOPMed 0.03360; gnomAD 0.03491 and 0.03389.
gnomAD v4.1: 5,168 of 152,370 alleles (3.4%); highest among the groups gnomAD compares: Non-Finnish European, 4%; 108 homozygotes.

Submissions (2):

Illumina Laboratory Services, Illumina
Classification: Benign for MHC class II deficiency 1. Last evaluated: 2018-01-13. Review status: criteria provided, single submitter. Criteria: ICSL Variant Classification Criteria 13 December 2019. Collection method: clinical testing. Allele origin: germline.
Comment: This variant was observed in the ICSL laboratory as part of a predisposition screen in an ostensibly healthy population. It had not been previously curated by ICSL or reported in the Human Gene Mutation Database (HGMD: prior to June 1st, 2018), and was therefore a candidate for classification through an automated scoring system. Utilizing variant allele frequency, disease prevalence and penetrance estimates, and inheritance mode, an automated score was calculated to assess if this variant is too frequent to cause the disease. Based on the score and internal cut-off values, a variant classified as benign is not then subjected to further curation. The score for this variant resulted in a classification of benign for this disease.

Breakthrough Genomics
Classification: Benign. Review status: criteria provided, single submitter. Criteria: ACMG Guidelines, 2015. Collection method: not provided. Allele origin: germline. Inheritance: Autosomal recessive inheritance. Affected: yes.

NM_000246.4(CIITA):c.*911G>A

Gene: CIITA (class II major histocompatibility complex transactivator; plus strand). Cytogenetic location: 16p13.13.
Variant type: single nucleotide variant.
Coding change: c.*911G>A on transcript NM_000246.4 (MANE Select); 911 bases downstream of the stop codon, G replaced by A.
Molecular consequence: 3 prime UTR variant. On other transcripts: non-coding transcript variant (1), intron variant (5).
Genome position (GRCh38, 1-based): chr16:10,924,766, G>A. VCF-style: chr16-10924766-G-A. GRCh37 (hg19) VCF-style: chr16-11018623-G-A.
Other names: c.*911G>A (NM_001286402.1, NM_001286403.2); c.*22+1441G>A (NM_001379332.1, NM_001379330.1, NM_001379333.1 and 2 more transcripts).
Identifiers: ClinVar variation 317748 (VCV000317748.6), dbSNP rs45466393, ClinGen allele CA10647722.